The following is an entry in ClinVar:

ClinVar aggregate classification (germline): Conflicting classifications of pathogenicity. Review status: criteria provided, conflicting classifications (1 of 4 stars). 2 submissions from 2 submitters: Uncertain significance (1); Likely benign (1). Last evaluated 2024-11-19.

gnomAD v4.1: 6 of 1,612,004 alleles (0.00037%); highest among the groups gnomAD compares: African/African-American, 0.008%; no homozygotes.

Submissions (2):

GeneDx
Classification: Uncertain significance. Last evaluated: 2024-11-19. Review status: criteria provided, single submitter. Criteria: GeneDx Variant Classification Process June 2021. Collection method: clinical testing. Allele origin: germline. Affected: yes.
Comment: Not observed at significant frequency in large population cohorts (gnomAD); Missense variant in a gene in which most reported pathogenic variants are truncating/loss of function; Has not been previously published as pathogenic or benign to our knowledge

Blueprint Genetics
Classification: Likely benign. Last evaluated: 2021-09-01. Review status: criteria provided, single submitter. Criteria: ACMG Guidelines, 2015. Collection method: clinical testing. Allele origin: germline.

NM_001267550.2(TTN):c.14429A>G (p.Lys4810Arg)

Gene: TTN (titin; minus strand). Cytogenetic location: 2q31.2.
Variant type: single nucleotide variant.
Coding change: c.14429A>G on transcript NM_001267550.2 (MANE Select); coding-DNA position 14429, A replaced by G.
Protein change: p.Lys4810Arg; replaces lysine 4810 with arginine.
Molecular consequence: missense variant. On other transcripts: intron variant (3).
Genome position (GRCh38, 1-based): chr2:178,736,017, T>C on the plus strand (A>G on the coding strand, the complement: TTN is on the minus strand). VCF-style: chr2-178736017-T-C. GRCh37 (hg19) VCF-style: chr2-179600744-T-C.
Other names: c.13478A>G, p.Lys4493Arg (NM_001256850.1); c.10697A>G, p.Lys3566Arg (NM_133378.4); c.13282+2065A>G (NM_003319.4); c.13858+2065A>G (NM_133437.4); c.13657+2065A>G (NM_133432.3); short protein forms K3566R, K4493R, K4810R.
Identifiers: ClinVar variation 3899451 (VCV003899451.2).